The following is an entry in ClinVar:

ClinVar aggregate classification (germline): Uncertain significance (1 of 4 stars; one submission).

Conditions:
Ulnar-mammary syndrome (UMS). Also called: SCHINZEL SYNDROME; PALLISTER ULNAR-MAMMARY SYNDROME; Ulnar-mammary syndrome of Pallister. Identifiers: Orphanet 3138, MedGen C1866994, MONDO:0008411, OMIM 181450.

Submission:

Labcorp Genetics (formerly Invitae), Labcorp
Classification: Uncertain significance for Ulnar-mammary syndrome. Last evaluated: 2024-10-19. Review status: criteria provided, single submitter. Criteria: Invitae Variant Classification Sherloc (09022015). Collection method: clinical testing. Allele origin: germline.
Comment: This sequence change replaces lysine, which is basic and polar, with asparagine, which is neutral and polar, at codon 387 of the TBX3 protein (p.Lys387Asn). This variant is not present in population databases (gnomAD no frequency). This variant has not been reported in the literature in individuals affected with TBX3-related conditions. An algorithm developed to predict the effect of missense changes on protein structure and function (PolyPhen-2) suggests that this variant is likely to be tolerated. In summary, the available evidence is currently insufficient to determine the role of this variant in disease. Therefore, it has been classified as a Variant of Uncertain Significance.

NM_005996.4(TBX3):c.1161G>C (p.Lys387Asn)

Gene: TBX3 (T-box transcription factor 3; minus strand). Cytogenetic location: 12q24.21.
Variant type: single nucleotide variant.
Coding change: c.1161G>C on transcript NM_005996.4 (MANE Select); coding-DNA position 1161, G replaced by C.
Protein change: p.Lys387Asn; replaces lysine 387 with asparagine.
Molecular consequence: missense variant.
Genome position (GRCh38, 1-based): chr12:114,674,714, C>G on the plus strand (G>C on the coding strand, the complement: TBX3 is on the minus strand). VCF-style: chr12-114674714-C-G. GRCh37 (hg19) VCF-style: chr12-115112519-C-G.
Other names: c.1221G>C, p.Lys407Asn (NM_016569.4); short protein forms K387N, K407N.
Identifiers: ClinVar variation 3662264 (VCV003662264.2).